The following is an entry in ClinVar:

ClinVar aggregate classification (germline): Pathogenic/Likely pathogenic. Review status: criteria provided, multiple submitters, no conflicts (2 of 4 stars). 2 submissions from 2 submitters: Pathogenic (1); Likely pathogenic (1). Last evaluated 2025-02-28.

Conditions:
Nemaline myopathy 2 (NEM2). Also called: Nemaline myopathy 2, autosomal recessive. Identifiers: MedGen C1850569, MONDO:0009725, OMIM 256030.
Nemaline myopathy. Also called: Myopathies, Nemaline. Identifiers: Orphanet 607, MedGen C0206157, MONDO:0018958.

Allele frequency attached by ClinVar (database versions not stated): gnomAD exomes below 0.00001.

Submissions (2):

Broad Center for Mendelian Genomics, Broad Institute of MIT and Harvard
Classification: Likely pathogenic for Nemaline myopathy. Last evaluated: 2025-02-28. Review status: criteria provided, single submitter. Criteria: ACMG Guidelines, 2015. Collection method: curation. Allele origin: germline. Inheritance: Autosomal recessive inheritance.
Comment: The p.Arg7904LeufsTer2 variant in NEB has not been previously reported in the literature in individuals with nemaline myopathy, but has been identified in 0.00025% (3/1179708) of European (non-Finnish) chromosomes by the Genome Aggregation Database (gnomAD). Although this variant has been seen in the general population in a heterozygous state, its frequency is low enough to be consistent with a recessive carrier frequency. This variant has also been reported in ClinVar (Variation ID: 2009091) and has been interpreted as likely pathogenic by Invitae. This variant is predicted to cause a frameshift, which alters the protein‚Äôs amino acid sequence beginning at position 7904 and leads to a premature termination codon 2 amino acids downstream. This alteration is then predicted to lead to a truncated or absent protein. Loss of function of the NEB gene is an established disease mechanism in autosomal recessive nemaline myopathy. In summary, although additional studies are required to fully establish its clinical significance, this variant is likely pathogenic for autosomal recessive nemaline myopathy. ACMG/AMP Criteria applied: PVS1, PM2_supporting (Richards 2015).

Labcorp Genetics (formerly Invitae), Labcorp
Classification: Pathogenic for Nemaline myopathy 2. Last evaluated: 2022-06-28. Review status: criteria provided, single submitter. Criteria: Invitae Variant Classification Sherloc (09022015). Collection method: clinical testing. Allele origin: germline.
Comment: For these reasons, this variant has been classified as Pathogenic. This variant has not been reported in the literature in individuals affected with NEB-related conditions. This variant is not present in population databases (gnomAD no frequency). This sequence change creates a premature translational stop signal (p.Arg7939Leufs*2) in the NEB gene. It is expected to result in an absent or disrupted protein product. Loss-of-function variants in NEB are known to be pathogenic (PMID: 25205138).

Literature cited by the submitters: PubMed 25205138 (cited by Labcorp Genetics (formerly Invitae), Labcorp).

NM_001164508.2(NEB):c.23711del (p.Arg7904fs)

Genes: NEB (nebulin; minus strand), RIF1 (replication timing regulatory factor 1; plus strand). Cytogenetic location: 2q23.3.
Variant type: Deletion.
Coding change: c.23711del on transcript NM_001164508.2 (MANE Select); coding-DNA position 23711, one base deleted (G; older notation c.23711delG).
Protein change: p.Arg7904fs; shifts the reading frame from arginine 7904.
Molecular consequence: frameshift variant.
Genome position (GRCh38, 1-based): chr2:151,505,509, C deleted on the plus strand (G on the coding strand, the reverse complement: NEB is on the minus strand). VCF-style (leftmost placement, unchanged base first): chr2-151505508-AC-A. GRCh37 (hg19) VCF-style: chr2-152362022-AC-A.
Other names: NM_001164508.2(NEB):c.23711del; p.Arg7904fs; c.23711del, p.Arg7904fs (NM_001164507.2); c.23816del, p.Arg7939fs (NM_001271208.2); c.18608del, p.Arg6203fs (NM_004543.5); short protein forms R6203fs, R7904fs, R7939fs.
Identifiers: ClinVar variation 2009091 (VCV002009091.5), dbSNP rs2551970111, ClinGen allele CA2580063876.
Genomic context (GRCh38, chr2:151,505,508, plus strand): 5'-ACAAATGGAAGCTGAGAGTATGGCCACTACCGAGCTAATGTGCTTCTGCGTCTCCTTCAC[AC>A]GTTTCACTTCAGGCAGGTCAGGGATTGGAGTTCCTTGTCCTATTGCTTCCTTATACTTCA-3'